The following is an entry in ClinVar:

ClinVar aggregate classification (germline): Likely pathogenic (1 of 4 stars; one submission).

Conditions:
Hereditary cancer-predisposing syndrome. Also called: Tumor predisposition; Neoplastic Syndromes, Hereditary; Hereditary Cancer Syndrome; Hereditary neoplastic syndrome. Identifiers: Orphanet 140162, MedGen C0027672, MeSH D009386, MONDO:0015356.

Submission:

Molecular Diagnostics Laboratory, Catalan Institute of Oncology
Classification: Likely pathogenic for Hereditary cancer-predisposing syndrome. Last evaluated: 2025-03-23. Review status: criteria provided, single submitter. Criteria: ACMG Guidelines, 2015. Collection method: clinical testing. Allele origin: germline.
Comment: PVS1, PM2_Supporting c.270del, located in exon 2 of the CHEK2 gene causing a translational frameshift with a predicted alternate stop codon, p.(Ala91Profs*19)(PVS1). It is not present in the population database gnomAD v2.1.1, non cancer dataset (PM2_Supporting). The SpliceAI algorithm predicts no significant impact on splicing. ). To our knowledge, neither clinical data nor functional studies have been reported for this variant. This variant has not been reported neither in the ClinVar database nor in the LOVD database. Based on currently available information, the variant c.270del is classified as a likely pathogenic variant according to ACMG guidelines.

NM_007194.4(CHEK2):c.270del (p.Ala91fs)

Gene: CHEK2 (checkpoint kinase 2; minus strand). Cytogenetic location: 22q12.1.
Variant type: Deletion.
Coding change: c.270del on transcript NM_007194.4 (MANE Select); coding-DNA position 270, one base deleted (T; older notation c.270delT).
Protein change: p.Ala91fs; shifts the reading frame from alanine 91.
Molecular consequence: frameshift variant.
Genome position (GRCh38, 1-based): chr22:28,734,452, A deleted on the plus strand (T on the coding strand, the reverse complement: CHEK2 is on the minus strand). VCF-style (leftmost placement, unchanged base first): chr22-28734451-CA-C. GRCh37 (hg19) VCF-style: chr22-29130439-CA-C.
Other names: c.270delT, p.Ala91Profs (NM_001005735.3, NM_001349956.3, NM_145862.3); c.-508delT (NM_001257387.3); short protein forms A91fs.
Identifiers: ClinVar variation 3891305 (VCV003891305.1).